The following is an entry in ClinVar:

ClinVar aggregate classification (germline): Likely benign. Review status: criteria provided, multiple submitters, no conflicts (2 of 4 stars). 5 submissions from 5 submitters: Likely benign (2). 3 of the submissions do not count toward it. Last evaluated 2024-11-26.

Conditions:
CLRN1-related disorder. Also called: CLRN1-related condition.

Allele frequency attached by ClinVar (database versions not stated): 1000 Genomes Project 30x 0.00031; 1000 Genomes Project 0.00040; TOPMed 0.00122; gnomAD exomes 0.00124 and 0.00181; gnomAD 0.00127 and 0.00129; ExAC 0.00187.
gnomAD v4.1: 2,794 of 1,592,070 alleles (0.18%); highest among the groups gnomAD compares: Non-Finnish European, 0.21%; 2 homozygotes.

Submissions (5):

Blueprint Genetics
Classification: Likely benign. Last evaluated: 2024-11-26. Review status: criteria provided, single submitter. Criteria: ACMG Guidelines, 2015. Collection method: clinical testing. Allele origin: germline.

Athena Diagnostics
Classification: Likely benign. Last evaluated: 2019-09-30. Review status: criteria provided, single submitter. Criteria: Athena Diagnostics Criteria. Collection method: clinical testing. Allele origin: unknown.

PreventionGenetics, part of Exact Sciences
Classification: Likely benign for CLRN1-related condition. Last evaluated: 2023-02-17. Review status: no assertion criteria provided. Collection method: clinical testing. Allele origin: germline. Not counted in ClinVar's aggregate classification.
Comment: This variant is classified as likely benign based on ACMG/AMP sequence variant interpretation guidelines (Richards et al. 2015 PMID: 25741868, with internal and published modifications).

Clinical Genetics DNA and cytogenetics Diagnostics Lab, Erasmus MC, Erasmus Medical Center
Classification: Likely benign. Review status: no assertion criteria provided. Collection method: clinical testing. Allele origin: germline. Affected: yes. Study: VKGL Data-share Consensus. Not counted in ClinVar's aggregate classification.

Laboratory of Diagnostic Genome Analysis, Leiden University Medical Center (LUMC)
Classification: Likely benign. Review status: no assertion criteria provided. Collection method: clinical testing. Allele origin: germline. Affected: yes. Study: VKGL Data-share Consensus. Not counted in ClinVar's aggregate classification.

NM_174878.3(CLRN1):c.254-2186C>T

Gene: CLRN1 (clarin 1; minus strand). Cytogenetic location: 3q25.1.
Variant type: single nucleotide variant.
Coding change: c.254-2186C>T on transcript NM_174878.3 (MANE Select); 2186 bases into the intron before coding-DNA position 254, C replaced by T.
Molecular consequence: intron variant. On other transcripts: missense variant (1), 5 prime UTR variant (1).
Genome position (GRCh38, 1-based): chr3:150,943,947, G>A on the plus strand (C>T on the coding strand, the complement: CLRN1 is on the minus strand). VCF-style: chr3-150943947-G-A. GRCh37 (hg19) VCF-style: chr3-150661734-G-A.
Other names: c.298C>T, p.His100Tyr (NM_001256819.2); c.-103C>T (NM_052995.2); c.254-2186C>T (NM_001195794.1); short protein forms H100Y.
Identifiers: ClinVar variation 994583 (VCV000994583.5), dbSNP rs142185813, ClinGen allele CA2666152.